The following is an entry in ClinVar:

NM_000245.4(MET):c.255G>A (p.Lys85=)

Gene: MET (MET proto-oncogene, receptor tyrosine kinase; plus strand). Cytogenetic location: 7q31.2.
Variant type: single nucleotide variant.
Coding change: c.255G>A on transcript NM_000245.4 (MANE Select); coding-DNA position 255, G replaced by A.
Protein change: p.Lys85=; no amino-acid change (lysine 85 retained).
Molecular consequence: synonymous variant. On other transcripts: intron variant (1).
Genome position (GRCh38, 1-based): chr7:116,699,339, G>A. VCF-style: chr7-116699339-G-A. GRCh37 (hg19) VCF-style: chr7-116339393-G-A.
Other names: c.255G>A (NM_001127500.2); c.255G>A, p.Lys85= (NM_001127500.3, NM_001324401.3); c.-91+26762G>A (NM_001324402.2).
Identifiers: ClinVar variation 1115115 (VCV001115115.16), dbSNP rs1327946446, ClinGen allele CA457448015.

ClinVar aggregate classification (germline): Conflicting classifications of pathogenicity. Review status: criteria provided, conflicting classifications (1 of 4 stars). 5 submissions from 5 submitters: Uncertain significance (1); Benign (1); Likely benign (3). Last evaluated 2025-09-04.

Conditions:
Papillary renal cell carcinoma type 1 (RCCP1). Also called: RENAL CELL CARCINOMA, PAPILLARY, 1, SOMATIC; Renal adenocarcinoma; Renal cell carcinoma 1; Renal cell carcinoma, somatic. Identifiers: Orphanet 47044, MedGen C1336839, OMIM 605074, HP:0011797.
Hereditary cancer-predisposing syndrome. Also called: Hereditary neoplastic syndrome; Hereditary Cancer Syndrome; Neoplastic Syndromes, Hereditary; Tumor predisposition. Identifiers: Orphanet 140162, MedGen C0027672, MeSH D009386, MONDO:0015356.
Renal cell carcinoma. Identifiers: Orphanet 217071, MedGen C0007134, MeSH D002292, MONDO:0005086, HP:0005584.

Allele frequency attached by ClinVar (database versions not stated): gnomAD exomes below 0.00001; gnomAD 0.00001; TOPMed 0.00002.
gnomAD v4.1: 3 of 1,613,908 alleles (0.00019%); highest among the groups gnomAD compares: African/African-American, 0.0013%; no homozygotes.

Submissions (5):

Labcorp Genetics (formerly Invitae), Labcorp
Classification: Likely benign for Renal cell carcinoma. Last evaluated: 2025-09-04. Review status: criteria provided, single submitter. Criteria: Invitae Variant Classification Sherloc (09022015). Collection method: clinical testing. Allele origin: germline.

Quest Diagnostics Nichols Institute San Juan Capistrano
Classification: Uncertain significance. Last evaluated: 2024-11-21. Review status: criteria provided, single submitter. Criteria: Quest Diagnostics criteria. Collection method: clinical testing. Allele origin: unknown.
Comment: The MET c.255G>A (p.Lys85=) synonymous variant has not been reported in individuals with MET-related conditions in the published literature. The frequency of this variant in the general population, 0.000004 (1/249140 chromosomes (Genome Aggregation Database)), is uninformative in the assessment of its pathogenicity. Analysis of this variant using software algorithms for the prediction of the effect of nucleotide changes on splicing yielded predictions that this variant does not affect MET mRNA splicing. Based on the available information, we are unable to determine the clinical significance of this variant.

Myriad Genetics, Inc.
Classification: Benign for Papillary renal cell carcinoma type 1. Last evaluated: 2024-11-06. Review status: criteria provided, single submitter. Criteria: Myriad Autosomal Dominant, Autosomal Recessive and X-Linked Classification Criteria (2023). Collection method: clinical testing. Allele origin: unknown.
Comment: This variant is considered benign. This variant is a silent/synonymous amino acid change and it is not expected to impact splicing.

Ambry Genetics
Classification: Likely benign for Hereditary cancer-predisposing syndrome. Last evaluated: 2021-09-27. Review status: criteria provided, single submitter. Criteria: Ambry Variant Classification Scheme 2023. Collection method: clinical testing. Allele origin: germline.

GeneDx
Classification: Likely benign. Last evaluated: 2019-03-29. Review status: criteria provided, single submitter. Criteria: GeneDx Variant Classification Process June 2021. Collection method: clinical testing. Allele origin: germline. Affected: yes.